The following is an entry in ClinVar:

NM_005138.3(SCO2):c.752C>T (p.Ser251Leu)

Genes: NCAPH2 (non-SMC condensin II complex subunit H2; plus strand), SCO2 (synthesis of cytochrome C oxidase 2; minus strand). Cytogenetic location: 22q13.33.
Variant type: single nucleotide variant.
Coding change: c.752C>T on transcript NM_005138.3 (MANE Select); coding-DNA position 752, C replaced by T.
Protein change: p.Ser251Leu; replaces serine 251 with leucine.
Molecular consequence: missense variant. On other transcripts: 3 prime UTR variant (2).
Genome position (GRCh38, 1-based): chr22:50,523,660, G>A on the plus strand (C>T on the coding strand, the complement: SCO2 is on the minus strand). VCF-style: chr22-50523660-G-A. GRCh37 (hg19) VCF-style: chr22-50962089-G-A.
Other names: p.Ser251Leu; c.*285G>A (NM_001185011.2, NM_152299.4); c.752C>T, p.Ser251Leu (NM_001169109.2, NM_001169110.1, NM_001169111.2); short protein forms S251L.
Identifiers: ClinVar variation 1584332 (VCV001584332.10), dbSNP rs768228804, ClinGen allele CA10321119.

ClinVar aggregate classification (germline): Conflicting classifications of pathogenicity. Review status: criteria provided, conflicting classifications (1 of 4 stars). 3 submissions from 3 submitters: Uncertain significance (2); Likely benign (1). Last evaluated 2025-12-28.

Allele frequency attached by ClinVar (database versions not stated): gnomAD 0.00004 and 0.00005; gnomAD exomes 0.00004 and 0.00019; TOPMed 0.00009; ExAC 0.00018.
gnomAD v4.1: 62 of 1,614,040 alleles (0.0038%); highest among the groups gnomAD compares: East Asian, 0.11%; no homozygotes.

Submissions (3):

Labcorp Genetics (formerly Invitae), Labcorp
Classification: Likely benign. Last evaluated: 2025-12-28. Review status: criteria provided, single submitter. Criteria: Invitae Variant Classification Sherloc (09022015). Collection method: clinical testing. Allele origin: germline.

Mayo Clinic Laboratories, Mayo Clinic
Classification: Uncertain significance. Last evaluated: 2023-11-20. Review status: criteria provided, single submitter. Criteria: ACMG Guidelines, 2015. Collection method: clinical testing. Allele origin: germline. Observed: 1 variant allele.
Comment: BP4

GeneDx
Classification: Uncertain significance. Last evaluated: 2023-07-29. Review status: criteria provided, single submitter. Criteria: GeneDx Variant Classification Process June 2021. Collection method: clinical testing. Allele origin: germline. Affected: yes.
Comment: In silico analysis supports that this missense variant does not alter protein structure/function; Has not been previously published as pathogenic or benign to our knowledge